The following is an entry in ClinVar:

ClinVar aggregate classification (germline): Uncertain significance (1 of 4 stars; one submission).

Conditions:
HSD17B4-related disorder. Also called: HSD17B4-related condition; HSD17B4-related disorders.

gnomAD v4.1: 81 of 1,613,608 alleles (0.005%); highest among the groups gnomAD compares: Non-Finnish European, 0.0065%; no homozygotes.

Submission:

PreventionGenetics, part of Exact Sciences
Classification: Uncertain significance for HSD17B4-related condition. Last evaluated: 2025-12-19. Review status: criteria provided, single submitter. Criteria: ACMG Guidelines, 2015. Collection method: clinical testing. Allele origin: germline.
Comment: The HSD17B4 c.1108G>C variant is predicted to result in the amino acid substitution p.Asp370His. To our knowledge, this variant has not been reported in the literature. This variant is reported in 0.0080% of alleles in individuals of African descent in gnomAD. At this time, the clinical significance of this variant is uncertain due to the absence of conclusive functional and genetic evidence.

NM_000414.4(HSD17B4):c.1108G>C (p.Asp370His)

Gene: HSD17B4 (hydroxysteroid 17-beta dehydrogenase 4; plus strand). Cytogenetic location: 5q23.1.
Variant type: single nucleotide variant.
Coding change: c.1108G>C on transcript NM_000414.4 (MANE Select); coding-DNA position 1108, G replaced by C.
Protein change: p.Asp370His; replaces aspartic acid 370 with histidine.
Molecular consequence: missense variant. On other transcripts: non-coding transcript variant (2).
Genome position (GRCh38, 1-based): chr5:119,499,452, G>C. VCF-style: chr5-119499452-G-C. GRCh37 (hg19) VCF-style: chr5-118835147-G-C.
Other names: c.1108G>C, p.Asp370His (NM_001374498.1); c.781G>C, p.Asp261His (NM_001374499.1); c.667G>C, p.Asp223His (NM_001374500.1); c.697G>C, p.Asp233His (NM_001374501.1, NM_001374502.1, NM_001374503.1); c.1183G>C, p.Asp395His (NM_001199291.3); c.1054G>C, p.Asp352His (NM_001199292.2); c.1036G>C, p.Asp346His (NM_001292027.2); c.688G>C, p.Asp230His (NM_001292028.2); and 1 more; short protein forms D223H, D230H, D233H, D261H, D346H, D352H, D367H, D370H.
Identifiers: ClinVar variation 2635794 (VCV002635794.2), dbSNP rs773950921, ClinGen allele CA125882786.